The following is an entry in ClinVar:

NM_003883.4(HDAC3):c.-6G>T

Genes: HDAC3 (histone deacetylase 3; minus strand), LOC129994870 (ATAC-STARR-seq lymphoblastoid silent region 16458; plus strand). Cytogenetic location: 5q31.3.
Variant type: single nucleotide variant.
Coding change: c.-6G>T on transcript NM_003883.4 (MANE Select); 6 bases upstream of the start codon, G replaced by T.
Molecular consequence: 5 prime UTR variant. On other transcripts: non-coding transcript variant (6).
Genome position (GRCh38, 1-based): chr5:141,636,796, C>A on the plus strand (G>T on the coding strand, the complement: HDAC3 is on the minus strand). VCF-style: chr5-141636796-C-A. GRCh37 (hg19) VCF-style: chr5-141016363-C-A.
Other names: c.-6G>T (NM_001355039.2); c.-266G>T (NM_001355040.2); c.-424G>T (NM_001355041.2).
Identifiers: ClinVar variation 3906069 (VCV003906069.10).

ClinVar aggregate classification (germline): Likely benign (1 of 4 stars; one submission).

gnomAD v4.1: 4 of 1,601,472 alleles (0.00025%); highest among the groups gnomAD compares: Non-Finnish European, 0.00034%; no homozygotes.

Submission:

CeGaT Center for Human Genetics Tuebingen
Classification: Likely benign. Last evaluated: 2025-06-01. Review status: criteria provided, single submitter. Criteria: CeGaT Center For Human Genetics Tuebingen Variant Classification Criteria Version 2. Collection method: clinical testing. Allele origin: germline. Affected: yes. Observed: 2 variant alleles.
Comment: HDAC3: BP4